The following is an entry in ClinVar:

ClinVar aggregate classification (germline): Likely benign. Review status: criteria provided, multiple submitters, no conflicts (2 of 4 stars). 3 submissions from 3 submitters: Likely benign (3). Last evaluated 2026-01-12.

Conditions:
Familial hemiplegic migraine. Identifiers: MedGen C0338484, MONDO:0000700.

Allele frequency attached by ClinVar (database versions not stated): gnomAD 0.00001; gnomAD exomes 0.00002; TOPMed 0.00002; ExAC 0.00003.
gnomAD v4.1: 28 of 1,614,170 alleles (0.0017%); highest among the groups gnomAD compares: South Asian, 0.0088%; no homozygotes.

Submissions (3):

Labcorp Genetics (formerly Invitae), Labcorp
Classification: Likely benign for Familial hemiplegic migraine. Last evaluated: 2026-01-12. Review status: criteria provided, single submitter. Criteria: Invitae Variant Classification Sherloc (09022015). Collection method: clinical testing. Allele origin: germline.

CeGaT Center for Human Genetics Tuebingen
Classification: Likely benign. Last evaluated: 2024-01-01. Review status: criteria provided, single submitter. Criteria: CeGaT Center For Human Genetics Tuebingen Variant Classification Criteria Version 2. Collection method: clinical testing. Allele origin: germline. Affected: yes. Observed: 1 variant allele.
Comment: ATP1A2: BP4, BP7

GeneDx
Classification: Likely benign. Last evaluated: 2019-05-23. Review status: criteria provided, single submitter. Criteria: GeneDx Variant Classification Process June 2021. Collection method: clinical testing. Allele origin: germline. Affected: yes.

NM_000702.4(ATP1A2):c.1989C>T (p.His663=)

Gene: ATP1A2 (ATPase Na+/K+ transporting subunit alpha 2; plus strand). Cytogenetic location: 1q23.2.
Variant type: single nucleotide variant.
Coding change: c.1989C>T on transcript NM_000702.4 (MANE Select); coding-DNA position 1989, C replaced by T.
Protein change: p.His663=; no amino-acid change (histidine 663 retained).
Molecular consequence: synonymous variant.
Genome position (GRCh38, 1-based): chr1:160,135,169, C>T. VCF-style: chr1-160135169-C-T. GRCh37 (hg19) VCF-style: chr1-160104959-C-T.
Identifiers: ClinVar variation 1081938 (VCV001081938.34), dbSNP rs765006961, ClinGen allele CA1194644.
Genomic context (GRCh38, chr1:160,135,169, plus strand): 5'-AGGGGTCAGCTGTCTCTGTCCCCACCCACCCTCCAGAGAAGCCAAGGCATGCGTGGTGCA[C>T]GGCTCTGACCTGAAGGACATGACATCGGAGCAGCTCGATGAGATCCTCAAGAACCACACA-3'
Protein context (NP_000693.1, residues 653-673): NPREAKACVV[His663=]GSDLKDMTSE